The following is an entry in ClinVar:

ClinVar aggregate classification (germline): Uncertain significance. Review status: criteria provided, multiple submitters, no conflicts (2 of 4 stars). 2 submissions from 2 submitters: Uncertain significance (2). Last evaluated 2024-05-09.

Conditions:
Inborn genetic diseases. Identifiers: MedGen C0950123, MeSH D030342.

Allele frequency attached by ClinVar (database versions not stated): gnomAD 0.00001.

Submissions (2):

GeneDx
Classification: Uncertain significance. Last evaluated: 2024-05-09. Review status: criteria provided, single submitter. Criteria: GeneDx Variant Classification Process June 2021. Collection method: clinical testing. Allele origin: germline. Affected: yes.
Comment: Not observed at significant frequency in large population cohorts (gnomAD); In silico analysis indicates that this missense variant does not alter protein structure/function; Has not been previously published as pathogenic or benign to our knowledge

Ambry Genetics
Classification: Uncertain significance for Inborn genetic diseases. Last evaluated: 2021-06-23. Review status: criteria provided, single submitter. Criteria: Ambry Variant Classification Scheme 2023. Collection method: clinical testing. Allele origin: germline.

NM_016239.4(MYO15A):c.1835A>G (p.Tyr612Cys)

Gene: MYO15A (myosin XVA; plus strand). Cytogenetic location: 17p11.2.
Variant type: single nucleotide variant.
Coding change: c.1835A>G on transcript NM_016239.4 (MANE Select); coding-DNA position 1835, A replaced by G.
Protein change: p.Tyr612Cys; replaces tyrosine 612 with cysteine.
Molecular consequence: missense variant.
Genome position (GRCh38, 1-based): chr17:18,120,635, A>G. VCF-style: chr17-18120635-A-G. GRCh37 (hg19) VCF-style: chr17-18023949-A-G.
Other names: short protein forms Y612C.
Identifiers: ClinVar variation 2216840 (VCV002216840.3), dbSNP rs867415047, ClinGen allele CA288387929.